The following is an entry in ClinVar:

NM_000059.4(BRCA2):c.5674G>A (p.Gly1892Ser)

Gene: BRCA2 (BRCA2 DNA repair associated; plus strand). Cytogenetic location: 13q13.1.
Variant type: single nucleotide variant.
Coding change: c.5674G>A on transcript NM_000059.4 (MANE Select); coding-DNA position 5674, G replaced by A.
Protein change: p.Gly1892Ser; replaces glycine 1892 with serine.
Molecular consequence: missense variant.
Genome position (GRCh38, 1-based): chr13:32,340,029, G>A. VCF-style: chr13-32340029-G-A. GRCh37 (hg19) VCF-style: chr13-32914166-G-A.
Other names: short protein forms G1892S.
Identifiers: ClinVar variation 187720 (VCV000187720.27), dbSNP rs786203948, ClinGen allele CA022938.

ClinVar aggregate classification (germline): Conflicting classifications of pathogenicity. Review status: criteria provided, conflicting classifications (1 of 4 stars). 8 submissions from 8 submitters: Uncertain significance (6); Likely benign (2). Last evaluated 2025-07-19.

Conditions:
Hereditary breast ovarian cancer syndrome. Also called: Hereditary breast and ovarian cancer; Hereditary breast and ovarian cancer syndrome; Breast and ovarian cancer; Hereditary breast and ovarian cancer syndrome (HBOC); Hereditary breast and/or ovarian cancer syndrome; BRCA1- and BRCA2-Associated Hereditary Breast and Ovarian Cancer. Identifiers: Orphanet 145, MedGen C0677776, MeSH D061325, MONDO:0003582. Disease mechanism: loss of function.
Breast-ovarian cancer, familial, susceptibility to, 2 (BROVCA2). Also called: BRCA2 Hereditary Breast and Ovarian Cancer. Identifiers: Orphanet 145, MedGen C2675520, MONDO:0012933, OMIM 612555. Disease mechanism: loss of function.
Hereditary cancer-predisposing syndrome. Also called: Hereditary Cancer Syndrome; Neoplastic Syndromes, Hereditary; Tumor predisposition; Hereditary neoplastic syndrome. Identifiers: Orphanet 140162, MedGen C0027672, MeSH D009386, MONDO:0015356.

Allele frequency attached by ClinVar (database versions not stated): TOPMed 0.00001.

Submissions (8):

Labcorp Genetics (formerly Invitae), Labcorp
Classification: Uncertain significance for Hereditary breast ovarian cancer syndrome. Last evaluated: 2025-07-19. Review status: criteria provided, single submitter. Criteria: Invitae Variant Classification Sherloc (09022015). Collection method: clinical testing. Allele origin: germline.
Comment: This sequence change replaces glycine, which is neutral and non-polar, with serine, which is neutral and polar, at codon 1892 of the BRCA2 protein (p.Gly1892Ser). This variant is not present in population databases (gnomAD no frequency). This missense change has been observed in individual(s) with breast cancer and/or ovarian cancer (PMID: 35264596, 37664050). ClinVar contains an entry for this variant (Variation ID: 187720). Invitae Evidence Modeling of protein sequence and biophysical properties (such as structural, functional, and spatial information, amino acid conservation, physicochemical variation, residue mobility, and thermodynamic stability) indicates that this missense variant is not expected to disrupt BRCA2 protein function with a negative predictive value of 95%. In summary, the available evidence is currently insufficient to determine the role of this variant in disease. Therefore, it has been classified as a Variant of Uncertain Significance.

Molecular Diagnostics Laboratory, Catalan Institute of Oncology
Classification: Likely benign for Hereditary cancer-predisposing syndrome. Last evaluated: 2025-02-04. Review status: criteria provided, single submitter. Criteria: ClinGen BRCA1BRCA2 ACMG Specifications BRCA2 V1.0.0. Collection method: clinical testing. Allele origin: germline.
Comment: PM2_supporting, BP1_strong c.5674G>A, located in exon 11 of the BRCA2 gene, is predicted to result in the substitution of glycine by serine at codon 1892, p.(Gly1892Ser). This position is outside a (potentially) clinically important functional domain and, moreover, the SpliceAI algorithm predicts no significant impact on splicing (BP1_Strong). It is not present in the population database gnomAD v2.1.1, non-cancer dataset (PM2_supporting). The SpliceAI algorithm predicts no significant impact on splicing. The Bayes-Del score for this variant (-0,328) suggests that it does not affect the protein function. To our knowledge, neither relevant clinical data nor well-established functional studies have been reported for this variant. This variant has been reported in the ClinVar* (6x uncertain significance, 1x likely benign), LOVD (1x uncertain significance) and ENIGMA (not yet reviewed) databases. Based on currently available information, the variant c.5674G>A should be considered a likely benign variant according to ClinGen ENIGMA BRCA1 and BRCA2 Expert Panel Specifications to the ACMG/AMP Variant Interpretation Guidelines for BRCA2 Version 1.0.0.

Quest Diagnostics Nichols Institute San Juan Capistrano
Classification: Uncertain significance. Last evaluated: 2024-12-06. Review status: criteria provided, single submitter. Criteria: Quest Diagnostics criteria. Collection method: clinical testing. Allele origin: unknown.
Comment: The BRCA2 c.5674G>A (p.Gly1892Ser) variant has been reported in the published literature in an individual with breast cancer (PMID: 35264596 (2022)) and an individual with ovarian cancer (PMID: 37664050 (2023)). This variant has not been reported in large, multi-ethnic general populations (Genome Aggregation Database). Analysis of this variant using bioinformatics tools for the prediction of the effect of amino acid changes on protein structure and function yielded predictions that this variant is benign. Based on the available information, we are unable to determine the clinical significance of this variant.

University of Washington Department of Laboratory Medicine, University of Washington
Classification: Likely benign for Hereditary cancer-predisposing syndrome. Last evaluated: 2023-03-23. Review status: criteria provided, single submitter. Criteria: Dines et al. (Genet Med. 2020). Collection method: curation. Allele origin: germline.
Comment: Missense variant in a coldspot region where missense variants are very unlikely to be pathogenic (PMID:31911673).

BRCA2 exon 11 coldspot. Reclassification based on statistical prior probability.

Ambry Genetics
Classification: Uncertain significance for Hereditary cancer-predisposing syndrome. Last evaluated: 2023-02-05. Review status: criteria provided, single submitter. Criteria: Ambry Variant Classification Scheme 2023. Collection method: clinical testing. Allele origin: germline.
Comment: The p.G1892S variant (also known as c.5674G>A), located in coding exon 10 of the BRCA2 gene, results from a G to A substitution at nucleotide position 5674. The glycine at codon 1892 is replaced by serine, an amino acid with similar properties. This amino acid position is poorly conserved in available vertebrate species, and serine is the reference amino acid in other vertebrate species. In addition, this alteration is predicted to be tolerated by in silico analysis. Since supporting evidence is limited at this time, the clinical significance of this alteration remains unclear.

Women's Health and Genetics/Laboratory Corporation of America, LabCorp
Classification: Uncertain significance. Last evaluated: 2020-08-25. Review status: criteria provided, single submitter. Criteria: LabCorp Variant Classification Summary - May 2015. Collection method: clinical testing. Allele origin: germline.
Comment: Variant summary: BRCA2 c.5674G>A (p.Gly1892Ser) results in a non-conservative amino acid change in the encoded protein sequence. Four of five in-silico tools predict a benign effect of the variant on protein function. The variant was absent in 250424 control chromosomes (gnomAD). The available data on variant occurrences in the general population are insufficient to allow any conclusion about variant significance. To our knowledge, no occurrence of c.5674G>A in individuals affected with Hereditary Breast and Ovarian Cancer Syndrome and no experimental evidence demonstrating its impact on protein function have been reported. Four ClinVar submitters (evaluation after 2014) cite the variant as uncertain significance. Based on the evidence outlined above, the variant was classified as uncertain significance.

GeneDx
Classification: Uncertain significance. Last evaluated: 2019-08-01. Review status: criteria provided, single submitter. Criteria: GeneDx Variant Classification Process June 2021. Collection method: clinical testing. Allele origin: germline. Affected: yes.
Comment: In silico analysis, which includes protein predictors and evolutionary conservation, supports that this variant does not alter protein structure/function; Not observed in large population cohorts (Lek et al., 2016); Has not been previously published as pathogenic or benign to our knowledge; Also known as 5902G>A

Mendelics
Classification: Uncertain significance for Breast-ovarian cancer, familial, susceptibility to, 2. Last evaluated: 2019-05-28. Review status: criteria provided, single submitter. Criteria: Mendelics Assertion Criteria 2017. Collection method: clinical testing. Allele origin: unknown.

Literature cited by the submitters: PubMed 35264596 (cited by Labcorp Genetics (formerly Invitae), Labcorp and Quest Diagnostics Nichols Institute San Juan Capistrano); PubMed 37664050 (cited by Labcorp Genetics (formerly Invitae), Labcorp and Quest Diagnostics Nichols Institute San Juan Capistrano); PubMed 31911673 (cited by Quest Diagnostics Nichols Institute San Juan Capistrano); PubMed 36922933 (cited by Quest Diagnostics Nichols Institute San Juan Capistrano); PubMed 29884841 (cited by Quest Diagnostics Nichols Institute San Juan Capistrano).